The following is an entry in ClinVar:

ClinVar aggregate classification (germline): Benign (1 of 4 stars; one submission).

Conditions:
Diamond-Blackfan anemia 6 (DBA6). Also called: RPL5-Related Diamond-Blackfan Anemia. Identifiers: Orphanet 124, MedGen C2931850, MONDO:0012937, OMIM 612561.

Allele frequency attached by ClinVar (database versions not stated): gnomAD 0.00017; TOPMed 0.00017; ESP Exome Variant Server 0.00031.
gnomAD v4.1: 264 of 1,613,168 alleles (0.016%); highest among the groups gnomAD compares: Non-Finnish European, 0.0036%; no homozygotes.

Submission:

Illumina Laboratory Services, Illumina
Classification: Benign for Diamond-Blackfan anemia 6. Last evaluated: 2018-01-12. Review status: criteria provided, single submitter. Criteria: ICSL Variant Classification Criteria 13 December 2019. Collection method: clinical testing. Allele origin: germline.
Comment: This variant was observed in the ICSL laboratory as part of a predisposition screen in an ostensibly healthy population. It had not been previously curated by ICSL or reported in the Human Gene Mutation Database (HGMD: prior to June 1st, 2018), and was therefore a candidate for classification through an automated scoring system. Utilizing variant allele frequency, disease prevalence and penetrance estimates, and inheritance mode, an automated score was calculated to assess if this variant is too frequent to cause the disease. Based on the score and internal cut-off values, a variant classified as benign is not then subjected to further curation. The score for this variant resulted in a classification of benign for this disease.

NM_000969.5(RPL5):c.-48G>A

Gene: RPL5 (ribosomal protein L5; plus strand). Cytogenetic location: 1p22.1.
Variant type: single nucleotide variant.
Coding change: c.-48G>A on transcript NM_000969.5 (MANE Select); 48 bases upstream of the start codon, G replaced by A.
Molecular consequence: 5 prime UTR variant. On other transcripts: non-coding transcript variant (1).
Genome position (GRCh38, 1-based): chr1:92,832,067, G>A. VCF-style: chr1-92832067-G-A. GRCh37 (hg19) VCF-style: chr1-93297624-G-A.
Other names: c.-48G>A (LRG_1155t1).
Identifiers: ClinVar variation 298201 (VCV000298201.5), dbSNP rs376070413, ClinGen allele CA952256.